The following is an entry in ClinVar:

NM_003835.4(RGS9):c.423+3A>G

Gene: RGS9 (regulator of G protein signaling 9; plus strand). Cytogenetic location: 17q24.1.
Variant type: single nucleotide variant.
Coding change: c.423+3A>G on transcript NM_003835.4 (MANE Select); 3 bases into the intron after coding-DNA position 423, A replaced by G.
Molecular consequence: intron variant.
Genome position (GRCh38, 1-based): chr17:65,160,912, A>G. VCF-style: chr17-65160912-A-G. GRCh37 (hg19) VCF-style: chr17-63157030-A-G.
Other names: c.423+3A>G (NM_001081955.3, NM_001165933.2).
Identifiers: ClinVar variation 1006206 (VCV001006206.8), dbSNP rs1249370898, ClinGen allele CA774145203.

ClinVar aggregate classification (germline): Uncertain significance (1 of 4 stars; one submission).

Allele frequency attached by ClinVar (database versions not stated): TOPMed 0.00001.

Submission:

Labcorp Genetics (formerly Invitae), Labcorp
Classification: Uncertain significance. Last evaluated: 2022-02-10. Review status: criteria provided, single submitter. Criteria: Invitae Variant Classification Sherloc (09022015). Collection method: clinical testing. Allele origin: germline.
Comment: In summary, the available evidence is currently insufficient to determine the role of this variant in disease. Therefore, it has been classified as a Variant of Uncertain Significance. Variants that disrupt the consensus splice site are a relatively common cause of aberrant splicing (PMID: 17576681, 9536098). Algorithms developed to predict the effect of sequence changes on RNA splicing suggest that this variant may disrupt the consensus splice site. ClinVar contains an entry for this variant (Variation ID: 1006206). This variant has not been reported in the literature in individuals affected with RGS9-related conditions. This variant is not present in population databases (gnomAD no frequency). This sequence change falls in intron 6 of the RGS9 gene. It does not directly change the encoded amino acid sequence of the RGS9 protein. It affects a nucleotide within the consensus splice site.

Literature cited by the submitters: PubMed 17576681; PubMed 9536098.